The following is an entry in ClinVar:

ClinVar aggregate classification (germline): Conflicting classifications of pathogenicity. Review status: criteria provided, conflicting classifications (1 of 4 stars). 2 submissions from 2 submitters: Pathogenic (1); Uncertain significance (1). Last evaluated 2023-07-10.

Conditions:
Familial melanoma. Also called: Hereditary melanoma; Hereditary cutaneous melanoma. Identifiers: Orphanet 618, MedGen C1512419, MONDO:0018961.
Hereditary cancer-predisposing syndrome. Also called: Tumor predisposition; Neoplastic Syndromes, Hereditary; Hereditary neoplastic syndrome; Hereditary Cancer Syndrome. Identifiers: Orphanet 140162, MedGen C0027672, MeSH D009386, MONDO:0015356.

Submissions (2):

Labcorp Genetics (formerly Invitae), Labcorp
Classification: Uncertain significance for Familial melanoma. Last evaluated: 2023-07-10. Review status: criteria provided, single submitter. Criteria: Invitae Variant Classification Sherloc (09022015). Collection method: clinical testing. Allele origin: germline.
Comment: In summary, the available evidence is currently insufficient to determine the role of this variant in disease. Therefore, it has been classified as a Variant of Uncertain Significance. Experimental studies and prediction algorithms are not available or were not evaluated, and the functional significance of this variant is currently unknown. ClinVar contains an entry for this variant (Variation ID: 182408). This variant has not been reported in the literature in individuals affected with CDKN2A (p16INK4a)-related conditions. This variant is not present in population databases (gnomAD no frequency). This variant, c.44_46dup, results in the insertion of 1 amino acid(s) of the CDKN2A (p16INK4a) protein (p.Trp15_Leu16insArg), but otherwise preserves the integrity of the reading frame. The CDKN2A gene encodes two different proteins, p16INK4a and p14ARF, which are translated from alternative transcripts with different open reading frames. Both transcripts have been analyzed. We report either the variant with the higher classification or default to the CDKN2A (p16INK4a) variant. This report therefore includes the details for the CDKN2A (p16INK4a) variant.

GeneDx
Classification: Pathogenic for Neoplastic Syndromes, Hereditary. Last evaluated: 2014-02-10. Review status: criteria provided, single submitter. Criteria: GeneDx Variant Classification (06012015). Collection method: clinical testing. Allele origin: germline. Affected: yes.
Comment: The CDKN2A c.46_47insGGC mutation results in the insertion of a single amino acid, Arginine, between codons Tryptophan 15 and Leucine 16. This variant is denoted at the protein level as p.Trp15_Leu16insArg (W15_L16insR). It is located within the ANK1 repeat of the CDKN2A gene. This mutation has not been previously reported to our knowledge. However, a nearby in-frame duplication within the ANK1 repeat, c.52_57dup6, has been reported as a mutation (Soufir 1998, Goldstein 2007) and shown to be deficient for CDK4 binding (Kannengiesser 2009). In addition, missense substitutions at Leucine 16, L16P and L16R, have been published as mutations (Soufir 1998, Goldstein 2000).This variant has been observed to be inherited. The variant is found in CDKN2A,CDKN2A panel(s).

NM_000077.5(CDKN2A):c.44_46dup (p.Trp15_Leu16insArg)

Gene: CDKN2A (cyclin dependent kinase inhibitor 2A; minus strand). Cytogenetic location: 9p21.3.
Variant type: Duplication.
Coding change: c.44_46dup on transcript NM_000077.5; coding-DNA positions 44 to 46, 3 bases duplicated (GGC; older notation c.44_46dupGGC).
Protein change: p.Trp15_Leu16insArg.
Molecular consequence: inframe indel (on NM_000077.4). On other transcripts: inframe insertion (2), intron variant (2).
Genome position (GRCh38, 1-based): chr9:21,974,782-21,974,784, GCC duplicated on the plus strand (GGC on the coding strand, the reverse complement: CDKN2A is on the minus strand). VCF-style (leftmost placement, unchanged base first): chr9-21974781-A-AGCC. GRCh37 (hg19) VCF-style: chr9-21974780-A-AGCC.
Other names: c.46_47insGGC (NM_000077.4); c.44_46dup, p.Trp15_Leu16insArg (NM_000077.6, NM_001195132.2, NM_058197.5); c.-3-3576_-3-3574dup (NM_001363763.2); c.194-3576_194-3574dup (NM_058195.4).
Identifiers: ClinVar variation 182408 (VCV000182408.6), dbSNP rs730881672, ClinGen allele CA299019.